The following is an entry in ClinVar:

NM_004586.3(RPS6KA3):c.189A>G (p.Ala63=)

Gene: RPS6KA3 (ribosomal protein S6 kinase A3; minus strand). Cytogenetic location: Xp22.12.
Variant type: single nucleotide variant.
Coding change: c.189A>G on transcript NM_004586.3 (MANE Select); coding-DNA position 189, A replaced by G.
Protein change: p.Ala63=; no amino-acid change (alanine 63 retained).
Molecular consequence: synonymous variant.
Genome position (GRCh38, 1-based): chrX:20,209,342, T>C on the plus strand (A>G on the coding strand, the complement: RPS6KA3 is on the minus strand). VCF-style: chrX-20209342-T-C. GRCh37 (hg19) VCF-style: chrX-20227460-T-C.
Identifiers: ClinVar variation 3351748 (VCV003351748.1).

ClinVar aggregate classification (germline): Likely benign (0 of 4 stars; one submission).

Conditions:
RPS6KA3-related disorder. Also called: RPS6KA3-related condition.

Submission:

PreventionGenetics, part of Exact Sciences
Classification: Likely benign for RPS6KA3-related condition. Last evaluated: 2024-01-19. Review status: no assertion criteria provided. Collection method: clinical testing. Allele origin: germline.
Comment: This variant is classified as likely benign based on ACMG/AMP sequence variant interpretation guidelines (Richards et al. 2015 PMID: 25741868, with internal and published modifications).